The following is an entry in ClinVar:

NM_003620.4(PPM1D):c.1670G>A (p.Arg557Gln)

Gene: PPM1D (protein phosphatase, Mg2+/Mn2+ dependent 1D; plus strand). Cytogenetic location: 17q23.2.
Variant type: single nucleotide variant.
Coding change: c.1670G>A on transcript NM_003620.4 (MANE Select); coding-DNA position 1670, G replaced by A.
Protein change: p.Arg557Gln; replaces arginine 557 with glutamine.
Molecular consequence: missense variant.
Genome position (GRCh38, 1-based): chr17:60,663,404, G>A. VCF-style: chr17-60663404-G-A. GRCh37 (hg19) VCF-style: chr17-58740765-G-A.
Other names: short protein forms R557Q.
Identifiers: ClinVar variation 2906986 (VCV002906986.3), dbSNP rs201236946, ClinGen allele CA8687847.
Genomic context (GRCh38, chr17:60,663,404, plus strand): 5'-CATTAGAAGAGTCCAATTCTGGCCCCCTGATGAAGAAGCATAGACGAAATGGCTTAAGTC[G>A]AAGTAGTGGTGCTCAGCCTGCAAGTCTCCCCACAACCTCACAGCGAAAGAACTCTGTTAA-3'
Protein context (NP_003611.1, residues 547-567): MKKHRRNGLS[Arg557Gln]SSGAQPASLP

ClinVar aggregate classification (germline): Uncertain significance (1 of 4 stars; one submission).

Allele frequency attached by ClinVar (database versions not stated): gnomAD exomes 0.00001; ExAC 0.00002; gnomAD 0.00003; TOPMed 0.00003; 1000 Genomes Project 30x 0.00016; 1000 Genomes Project 0.00020.

Submission:

Labcorp Genetics (formerly Invitae), Labcorp
Classification: Uncertain significance. Last evaluated: 2023-07-19. Review status: criteria provided, single submitter. Criteria: Invitae Variant Classification Sherloc (09022015). Collection method: clinical testing. Allele origin: germline.
Comment: In summary, the available evidence is currently insufficient to determine the role of this variant in disease. Therefore, it has been classified as a Variant of Uncertain Significance. An algorithm developed to predict the effect of missense changes on protein structure and function (PolyPhen-2) suggests that this variant is likely to be tolerated. This variant has not been reported in the literature in individuals affected with PPM1D-related conditions. This variant is present in population databases (rs201236946, gnomAD 0.002%). This sequence change replaces arginine, which is basic and polar, with glutamine, which is neutral and polar, at codon 557 of the PPM1D protein (p.Arg557Gln).